The following is an entry in ClinVar:

ClinVar aggregate classification (germline): Likely benign (1 of 4 stars; one submission).

gnomAD v4.1: 13 of 1,096,359 alleles (0.0012%); highest among the groups gnomAD compares: African/African-American, 0.0039%; no homozygotes.

Submission:

CeGaT Center for Human Genetics Tuebingen
Classification: Likely benign. Last evaluated: 2026-09-01. Review status: criteria provided, single submitter. Criteria: CeGaT Center For Human Genetics Tuebingen Variant Classification Criteria Version 2. Collection method: clinical testing. Allele origin: germline. Affected: yes. Observed: 1 variant allele.
Comment: LOC128031833: BS2

NM_001414729.1(LOC128031833):c.166C>T (p.Leu56=)

Genes: ARHGEF9 (Cdc42 guanine nucleotide exchange factor 9; minus strand), LOC128031833 (uncharacterized LOC128031833; minus strand). Cytogenetic location: Xq11.1.
Variant type: single nucleotide variant.
Coding change: c.166C>T on transcript NM_001414729.1 (MANE Select); coding-DNA position 166, C replaced by T.
Protein change: p.Leu56=; no amino-acid change (leucine 56 retained).
Molecular consequence: synonymous variant. On other transcripts: 5 prime UTR variant (17), intron variant (10).
Genome position (GRCh38, 1-based): chrX:63,754,499, G>A on the plus strand (C>T on the coding strand, the complement: LOC128031833 is on the minus strand). VCF-style: chrX-63754499-G-A. GRCh37 (hg19) VCF-style: chrX-62974379-G-A.
Other names: c.-302C>T (NM_001173480.2); c.-187C>T (NM_001353924.2, NM_001353928.2, NM_001369030.1 and 2 more transcripts); c.-183C>T (NM_001353926.2, NM_001369031.1, NM_001369032.1 and 1 more transcripts); c.-239C>T (NM_001353927.2, NM_001369033.1, NM_001369034.1); c.-317C>T (NM_001369036.1); c.-544C>T (NM_001369037.1); c.-625C>T (NM_001369042.1); c.-869C>T (NM_001369045.1); and 6 more.
Identifiers: ClinVar variation 5040891 (VCV005040891.1).